The following is an entry in ClinVar:

NM_003743.5(NCOA1):c.512A>C (p.Asn171Thr)

Gene: NCOA1 (nuclear receptor coactivator 1; plus strand). Cytogenetic location: 2p23.3.
Variant type: single nucleotide variant.
Coding change: c.512A>C on transcript NM_003743.5 (MANE Select); coding-DNA position 512, A replaced by C.
Protein change: p.Asn171Thr; replaces asparagine 171 with threonine.
Molecular consequence: missense variant.
Genome position (GRCh38, 1-based): chr2:24,683,108, A>C. VCF-style: chr2-24683108-A-C. GRCh37 (hg19) VCF-style: chr2-24905977-A-C.
Other names: c.512A>C, p.Asn171Thr (NM_001362950.1, NM_001362952.1, NM_001362954.1 and 3 more transcripts); short protein forms N171T.
Identifiers: ClinVar variation 4999566 (VCV004999566.1).

ClinVar aggregate classification (germline): Uncertain significance (1 of 4 stars; one submission).

Conditions:
NCOA1-related disorder. Also called: NCOA1-related condition.

Submission:

PreventionGenetics, part of Exact Sciences
Classification: Uncertain significance for NCOA1-related condition. Last evaluated: 2024-10-10. Review status: criteria provided, single submitter. Criteria: ACMG Guidelines, 2015. Collection method: clinical testing. Allele origin: germline.
Comment: The NCOA1 c.512A>C variant is predicted to result in the amino acid substitution p.Asn171Thr. To our knowledge, this variant has not been reported in the literature or in a large population database (gnomAD), indicating this variant is rare. At this time, the clinical significance of this variant is uncertain due to the absence of conclusive functional and genetic evidence.